The following is an entry in ClinVar:

NM_001754.5(RUNX1):c.314A>C (p.His105Pro)

Gene: RUNX1 (RUNX family transcription factor 1; minus strand). Cytogenetic location: 21q22.12.
Variant type: single nucleotide variant.
Coding change: c.314A>C on transcript NM_001754.5 (MANE Select); coding-DNA position 314, A replaced by C.
Protein change: p.His105Pro; replaces histidine 105 with proline.
Molecular consequence: missense variant.
Genome position (GRCh38, 1-based): chr21:34,886,880, T>G on the plus strand (A>C on the coding strand, the complement: RUNX1 is on the minus strand). VCF-style: chr21-34886880-T-G. GRCh37 (hg19) VCF-style: chr21-36259177-T-G.
Other names: NM_001754.4(RUNX1):c.314A>C; c.233A>C, p.His78Pro (NM_001001890.3, NM_001122607.2); short protein forms H105P, H78P.
Identifiers: ClinVar variation 561233 (VCV000561233.8), dbSNP rs1569084116, ClinGen allele CA410203519.
Genomic context (GRCh38, chr21:34,886,880, plus strand): 5'-CACCACCCTCTCCGGGCCAGTACCTTGAAAGCGATGGGCAGGGTCTTGTTGCAGCGCCAG[T>G]GCGTAGGCAGCACGGAGCAGAGGAAGTTGGGGCTGTCGGTGCGCACCAGCTCGCCCGGGT-3'
Protein context (NP_001745.2, residues 95-115): PNFLCSVLPT[His105Pro]WRCNKTLPIA

ClinVar aggregate classification (germline): Likely pathogenic. Review status: reviewed by expert panel (3 of 4 stars). 3 submissions from 3 submitters: Likely pathogenic (1). 2 of the submissions do not count toward it. Last evaluated 2019-07-26.

Conditions:
Hereditary thrombocytopenia and hematological cancer predisposition syndrome associated with RUNX1. Also called: PLATELET DISORDER, ASPIRIN-LIKE; RUNX1 Familial Platelet Disorder with Associated Myeloid Malignancies; Familial Platelet Disorder with Propensity to Acute Myelogenous Leukemia; Familial thrombocytopenia with propensity to acute myelogenous leukemia. Identifiers: Orphanet 71290, MedGen C1832388, MeSH C563324, MONDO:0100083, OMIM 601399.
Inborn genetic diseases. Identifiers: MedGen C0950123, MeSH D030342.
RUNX1-related disorder. Also called: RUNX1-related condition.

Submissions (3):

ClinGen Myeloid Malignancy Variant Curation Expert Panel
Classification: Likely pathogenic for Familial platelet disorder with associated myeloid malignancy. Last evaluated: 2019-07-26. Review status: reviewed by expert panel. Criteria: ClinGen MyeloMalig ACMG Specifications v1. Collection method: curation. Allele origin: germline. Inheritance: Autosomal dominant inheritance.
Comment: The NM_001754.4:c.314A>C (p.His105Pro) variant affects one of the residues (AA 105-204) within the RHD (PM1_Supporting). This variant is completely absent from all population databases with at least 20x coverage for RUNX1 (PM2). This missense variant has a REVEL score >0.75 (0.953) (PP3). This variant is a missense change at the same residue (p.His105Pro) where a different missense change has been previously established as a likely pathogenic variant (NM_001754.4:c.315C>A (p.His105Glu)) based on MM-VCEP rules for RUNX1 and RNA data or agreement in splicing predictors (SSF and MES) show no splicing effects (PM5_Supporting). This variant has been reported in one proband meeting at least one of the RUNX1-phenotypic criteria (PS4_ Supporting; SCV000807773.1). In summary, this variant meets criteria to be classified as likely pathogenic. ACMG/AMP criteria applied, as specified by the ClinGen Myeloid Malignancy Variant Curation Expert Panel for RUNX1: PM2, PP3, PM1_supporting, PM5_supporting, PS4_supporting.

Ambry Genetics
Classification: Uncertain significance for Inborn genetic diseases. Last evaluated: 2024-12-26. Review status: criteria provided, single submitter. Criteria: Ambry Variant Classification Scheme 2023. Collection method: clinical testing. Allele origin: germline. Not counted in ClinVar's aggregate classification.
Comment: The p.H105P variant (also known as c.314A>C), located in coding exon 3 of the RUNX1 gene, results from an A to C substitution at nucleotide position 314. The histidine at codon 105 is replaced by proline, an amino acid with similar properties. This amino acid position is highly conserved in available vertebrate species. In addition, this alteration is predicted to be deleterious by in silico analysis. Based on the available evidence, the clinical significance of this variant remains unclear.

PreventionGenetics, part of Exact Sciences
Classification: Uncertain significance for RUNX1-related condition. Last evaluated: 2024-01-04. Review status: no assertion criteria provided. Collection method: clinical testing. Allele origin: germline. Not counted in ClinVar's aggregate classification.
Comment: The RUNX1 c.314A>C variant is predicted to result in the amino acid substitution p.His105Pro. To our knowledge, this variant has not been reported in RUNX1-related patients in the literature or in a large population database, indicating this variant is rare. This variant is interpreted as likely pathogenic by the ClinGen Myeloid Malignancy Variant Curation Expert Panel. Although we suspect that this variant may be pathogenic, at this time, the clinical significance of this variant is uncertain due to the absence of conclusive functional and genetic evidence.